The following is an entry in ClinVar:

ClinVar aggregate classification (germline): Uncertain significance (1 of 4 stars; one submission).

Conditions:
Epileptic encephalopathy. Identifiers: MedGen C0543888, HP:0200134.

Allele frequency attached by ClinVar (database versions not stated): gnomAD exomes 0.00001; ExAC 0.00002; gnomAD 0.00005; TOPMed 0.00006.
gnomAD v4.1: 17 of 1,613,082 alleles (0.0011%); highest among the groups gnomAD compares: African/African-American, 0.0093%; no homozygotes.

Submission:

Labcorp Genetics (formerly Invitae), Labcorp
Classification: Uncertain significance for Epileptic encephalopathy. Last evaluated: 2019-12-11. Review status: criteria provided, single submitter. Criteria: Invitae Variant Classification Sherloc (09022015). Collection method: clinical testing. Allele origin: germline.
Comment: In summary, the available evidence is currently insufficient to determine the role of this variant in disease. Therefore, it has been classified as a Variant of Uncertain Significance. Algorithms developed to predict the effect of missense changes on protein structure and function (SIFT, PolyPhen-2, Align-GVGD) all suggest that this variant is likely to be tolerated, but these predictions have not been confirmed by published functional studies and their clinical significance is uncertain. This variant has not been reported in the literature in individuals with FASN-related conditions. This variant is present in population databases (rs778424897, ExAC 0.01%). This sequence change replaces glutamic acid with glutamine at codon 2379 of the FASN protein (p.Glu2379Gln). The glutamic acid residue is moderately conserved and there is a small physicochemical difference between glutamic acid and glutamine.

NM_004104.5(FASN):c.7135G>C (p.Glu2379Gln)

Gene: FASN (fatty acid synthase; minus strand). Cytogenetic location: 17q25.3.
Variant type: single nucleotide variant.
Coding change: c.7135G>C on transcript NM_004104.5 (MANE Select); coding-DNA position 7135, G replaced by C.
Protein change: p.Glu2379Gln; replaces glutamic acid 2379 with glutamine.
Molecular consequence: missense variant.
Genome position (GRCh38, 1-based): chr17:82,080,151, C>G on the plus strand (G>C on the coding strand, the complement: FASN is on the minus strand). VCF-style: chr17-82080151-C-G. GRCh37 (hg19) VCF-style: chr17-80038027-C-G.
Other names: short protein forms E2379Q.
Identifiers: ClinVar variation 853553 (VCV000853553.9), dbSNP rs778424897, ClinGen allele CA8851105.